The following is an entry in ClinVar:

NM_000169.3(GLA):c.894_895del (p.Asn298fs)

Genes: GLA (galactosidase alpha; minus strand), RPL36A-HNRNPH2 (RPL36A-HNRNPH2 readthrough; plus strand). Cytogenetic location: Xq22.1.
Variant type: Deletion.
Coding change: c.894_895del on transcript NM_000169.3 (MANE Select); coding-DNA positions 894 to 895, 2 bases deleted (TG; older notation c.894_895delTG).
Protein change: p.Asn298fs; shifts the reading frame from asparagine 298.
Molecular consequence: frameshift variant. On other transcripts: non-coding transcript variant (3), intron variant (2).
Genome position (GRCh38, 1-based): chrX:101,398,474-101,398,475, CA deleted on the plus strand (TG on the coding strand, the reverse complement: GLA is on the minus strand). VCF-style (leftmost placement, unchanged base first): chrX-101398473-TCA-T. GRCh37 (hg19) VCF-style: chrX-100653461-TCA-T.
Other names: c.1017_1018del, p.Asn339fs (NM_001406747.1); c.894_895del, p.Asn298fs (NM_001406748.1); c.300+3017_300+3018del (NM_001199973.2); c.177+6652_177+6653del (NM_001199974.2); short protein forms N298fs, N339fs.
Identifiers: ClinVar variation 4856607 (VCV004856607.1).

ClinVar aggregate classification (germline): Pathogenic (1 of 4 stars; one submission).

Conditions:
Fabry disease. Also called: Fabry's disease; GLA DEFICIENCY; HEREDITARY DYSTOPIC LIPIDOSIS; Ceramide trihexosidosis; Angiokeratoma corporis diffusum; ALPHA-GALACTOSIDASE A DEFICIENCY. Identifiers: Orphanet 324, MedGen C0002986, MONDO:0010526, OMIM 301500, HP:0001071. Disease mechanism: Fabry disease is due to inactivating mutations in the X-linked GLA gene resulting in deficiency of the enzyme Alpha Galactosidase-A., loss of function.

Submission:

Serv. Biochemistry and Molecular genetics, Hospital Clinic de Barcelona, Hospital Clínic de Barcelona
Classification: Pathogenic for Fabry disease. Last evaluated: 2026-05-21. Review status: criteria provided, single submitter. Criteria: ACMG Guidelines, 2015. Collection method: clinical testing. Allele origin: germline. Inheritance: X-linked inheritance. Affected: yes. Observed: 4 variant alleles. Clinical features observed: Chronic kidney disease (HP:0012622).
Comment: Classification reported in the manuscript using ACMG criteria/in silico tools: Pathogenic. Variant type: Deletion; amino acid change: p.Asn298LysfsTer16. Criteria: PM1, PM2, PM5, PP2, PP3, PS1, PS3, PS4,